The following is an entry in ClinVar:

ClinVar aggregate classification (germline): Uncertain significance (1 of 4 stars; one submission).

Allele frequency attached by ClinVar (database versions not stated): ExAC 0.00001; gnomAD exomes 0.00001.
gnomAD v4.1: 8 of 1,613,882 alleles (0.0005%); highest among the groups gnomAD compares: South Asian, 0.0011%; no homozygotes.

Submission:

Labcorp Genetics (formerly Invitae), Labcorp
Classification: Uncertain significance. Last evaluated: 2023-07-27. Review status: criteria provided, single submitter. Criteria: Invitae Variant Classification Sherloc (09022015). Collection method: clinical testing. Allele origin: germline.
Comment: In summary, the available evidence is currently insufficient to determine the role of this variant in disease. Therefore, it has been classified as a Variant of Uncertain Significance. Algorithms developed to predict the effect of missense changes on protein structure and function output the following: SIFT: "Not Available"; PolyPhen-2: "Not Available"; Align-GVGD: "Not Available". The leucine amino acid residue is found in multiple mammalian species, which suggests that this missense change does not adversely affect protein function. This variant has not been reported in the literature in individuals affected with PCLO-related conditions. This variant is present in population databases (rs771339450, gnomAD 0.003%). This sequence change replaces proline, which is neutral and non-polar, with leucine, which is neutral and non-polar, at codon 2656 of the PCLO protein (p.Pro2656Leu).

NM_033026.6(PCLO):c.7967C>T (p.Pro2656Leu)

Gene: PCLO (piccolo presynaptic cytomatrix protein; minus strand). Cytogenetic location: 7q21.11.
Variant type: single nucleotide variant.
Coding change: c.7967C>T on transcript NM_033026.6 (MANE Select); coding-DNA position 7967, C replaced by T.
Protein change: p.Pro2656Leu; replaces proline 2656 with leucine.
Molecular consequence: missense variant.
Genome position (GRCh38, 1-based): chr7:82,952,986, G>A on the plus strand (C>T on the coding strand, the complement: PCLO is on the minus strand). VCF-style: chr7-82952986-G-A. GRCh37 (hg19) VCF-style: chr7-82582302-G-A.
Other names: c.7967C>T, p.Pro2656Leu (NM_014510.3); short protein forms P2656L.
Identifiers: ClinVar variation 2747356 (VCV002747356.3), dbSNP rs771339450, ClinGen allele CA4320208.